The following is an entry in ClinVar:

ClinVar aggregate classification (germline): Pathogenic. Review status: criteria provided, multiple submitters, no conflicts (2 of 4 stars). 2 submissions from 2 submitters: Pathogenic (2). Last evaluated 2024-07-30.

Conditions:
Gorlin syndrome. Also called: Basal cell nevus syndrome; Nevoid Basal Cell Carcinoma Syndrome. Identifiers: Orphanet 377, MedGen C0004779, MONDO:0007187.

Submissions (2):

Labcorp Genetics (formerly Invitae), Labcorp
Classification: Pathogenic for Gorlin syndrome. Last evaluated: 2024-07-30. Review status: criteria provided, single submitter. Criteria: Invitae Variant Classification Sherloc (09022015). Collection method: clinical testing. Allele origin: germline.
Comment: This sequence change creates a premature translational stop signal (p.Ala151Leufs*8) in the PTCH1 gene. It is expected to result in an absent or disrupted protein product. Loss-of-function variants in PTCH1 are known to be pathogenic (PMID: 16301862, 16419085). This variant is not present in population databases (gnomAD no frequency). This variant has not been reported in the literature in individuals affected with PTCH1-related conditions. ClinVar contains an entry for this variant (Variation ID: 1185793). For these reasons, this variant has been classified as Pathogenic.

GeneDx
Classification: Pathogenic. Last evaluated: 2019-05-29. Review status: criteria provided, single submitter. Criteria: GeneDx Variant Classification Process June 2021. Collection method: clinical testing. Allele origin: germline. Affected: yes.
Comment: Frameshift variant predicted to result in protein truncation or nonsense mediated decay in a gene for which loss-of-function is a known mechanism of disease; Not observed in large population cohorts (Lek et al., 2016); Has not been previously published as pathogenic or benign to our knowledge

Literature cited by the submitters: PubMed 16301862 (cited by Labcorp Genetics (formerly Invitae), Labcorp); PubMed 16419085 (cited by Labcorp Genetics (formerly Invitae), Labcorp).

NM_000264.5(PTCH1):c.451del (p.Ala151fs)

Gene: PTCH1 (patched 1; minus strand). Cytogenetic location: 9q22.32.
Variant type: Deletion.
Coding change: c.451del on transcript NM_000264.5 (MANE Select); coding-DNA position 451, one base deleted (G; older notation c.451delG).
Protein change: p.Ala151fs; shifts the reading frame from alanine 151.
Molecular consequence: frameshift variant. On other transcripts: 5 prime UTR variant (4), non-coding transcript variant (1).
Genome position (GRCh38, 1-based): chr9:95,485,818, C deleted on the plus strand (G on the coding strand, the reverse complement: PTCH1 is on the minus strand); the first of 2 consecutive C bases (chr9:95,485,818-95,485,819); deleting either gives the same sequence. VCF-style (leftmost placement, unchanged base first): chr9-95485817-GC-G. GRCh37 (hg19) VCF-style: chr9-98248099-GC-G.
Other names: c.253del, p.Ala85fs (NM_001083602.3, NM_001354919.2); c.448del, p.Ala150fs (NM_001083603.3); c.-3del (NM_001083604.3, NM_001083605.3, NM_001083606.3 and 1 more transcripts); c.451del, p.Ala151fs (NM_001354918.2); short protein forms A150fs, A151fs, A85fs.
Identifiers: ClinVar variation 1185793 (VCV001185793.5), dbSNP rs2118547596, ClinGen allele CA2499220089.